The following is an entry in ClinVar:

NM_001042492.3(NF1):c.976A>G (p.Lys326Glu)

Gene: NF1 (neurofibromin 1; plus strand). Cytogenetic location: 17q11.2.
Variant type: single nucleotide variant.
Coding change: c.976A>G on transcript NM_001042492.3 (MANE Select); coding-DNA position 976, A replaced by G.
Protein change: p.Lys326Glu; replaces lysine 326 with glutamic acid.
Molecular consequence: missense variant.
Genome position (GRCh38, 1-based): chr17:31,200,509, A>G. VCF-style: chr17-31200509-A-G. GRCh37 (hg19) VCF-style: chr17-29527527-A-G.
Other names: c.976A>G, p.Lys326Glu (NM_000267.4, NM_001128147.3); short protein forms K326E.
Identifiers: ClinVar variation 642154 (VCV000642154.11), dbSNP rs1597680956, ClinGen allele CA398996025.

ClinVar aggregate classification (germline): Uncertain significance. Review status: criteria provided, multiple submitters, no conflicts (2 of 4 stars). 3 submissions from 3 submitters: Uncertain significance (2). 1 of the submissions does not count toward it. Last evaluated 2025-10-28.

Conditions:
NF1-related disorder. Also called: NF1-related condition. Identifiers: MedGen CN379171.
Neurofibromatosis, type 1 (NF1). Also called: NEUROFIBROMATOSIS, TYPE I, SOMATIC; VON RECKLINGHAUSEN DISEASE; Neurofibromatosis, type I; Peripheral type neurofibromatosis. Identifiers: Orphanet 636, MedGen C0027831, MONDO:0018975, OMIM 162200. Disease mechanism: loss of function.
Hereditary cancer-predisposing syndrome. Also called: Neoplastic Syndromes, Hereditary; Hereditary Cancer Syndrome; Hereditary neoplastic syndrome; Tumor predisposition. Identifiers: Orphanet 140162, MedGen C0027672, MeSH D009386, MONDO:0015356.
Cardiovascular phenotype. Identifiers: MedGen CN230736.

Allele frequency attached by ClinVar (database versions not stated): TOPMed below 0.00001.

Submissions (3):

Labcorp Genetics (formerly Invitae), Labcorp
Classification: Uncertain significance for Neurofibromatosis, type 1. Last evaluated: 2025-10-28. Review status: criteria provided, single submitter. Criteria: Invitae Variant Classification Sherloc (09022015). Collection method: clinical testing. Allele origin: germline.
Comment: This sequence change replaces lysine, which is basic and polar, with glutamic acid, which is acidic and polar, at codon 326 of the NF1 protein (p.Lys326Glu). This variant is not present in population databases (gnomAD no frequency). This variant has not been reported in the literature in individuals affected with NF1-related conditions. ClinVar contains an entry for this variant (Variation ID: 642154). Invitae Evidence Modeling of protein sequence and biophysical properties (such as structural, functional, and spatial information, amino acid conservation, physicochemical variation, residue mobility, and thermodynamic stability) indicates that this missense variant is expected to disrupt NF1 protein function with a positive predictive value of 95%. In summary, the available evidence is currently insufficient to determine the role of this variant in disease. Therefore, it has been classified as a Variant of Uncertain Significance.

Ambry Genetics
Classification: Uncertain significance for Cardiovascular phenotype; Hereditary cancer-predisposing syndrome. Last evaluated: 2024-08-21. Review status: criteria provided, single submitter. Criteria: Ambry Variant Classification Scheme 2023. Collection method: clinical testing. Allele origin: germline.
Comment: The p.K326E variant (also known as c.976A>G), located in coding exon 9 of the NF1 gene, results from an A to G substitution at nucleotide position 976. The lysine at codon 326 is replaced by glutamic acid, an amino acid with similar properties. This amino acid position is highly conserved in available vertebrate species. In addition, this alteration is predicted to be deleterious by in silico analysis. Based on the available evidence, the clinical significance of this variant remains unclear.

PreventionGenetics, part of Exact Sciences
Classification: Uncertain significance for NF1-related condition. Last evaluated: 2023-11-11. Review status: no assertion criteria provided. Collection method: clinical testing. Allele origin: germline. Not counted in ClinVar's aggregate classification.
Comment: The NF1 c.976A>G variant is predicted to result in the amino acid substitution p.Lys326Glu. To our knowledge, this variant has not been reported in the literature or in a large population database, indicating this variant is rare. It is interpreted as uncertain significance in ClinVar. At this time, the clinical significance of this variant is uncertain due to the absence of conclusive functional and genetic evidence.